The following is an entry in ClinVar:

ClinVar aggregate classification (germline): Conflicting classifications of pathogenicity. Review status: criteria provided, conflicting classifications (1 of 4 stars). 2 submissions from 2 submitters: Uncertain significance (1); Likely benign (1). Last evaluated 2025-04-15.

Conditions:
Inborn genetic diseases. Identifiers: MedGen C0950123, MeSH D030342.
Luscan-Lumish syndrome. Identifiers: Orphanet 597738, MedGen C4085873, MONDO:0014791, OMIM 616831.

gnomAD v4.1: 19 of 1,613,486 alleles (0.0012%); highest among the groups gnomAD compares: Middle Eastern, 0.033%; no homozygotes.

Submissions (2):

Ambry Genetics
Classification: Likely benign for Inborn genetic diseases. Last evaluated: 2025-04-15. Review status: criteria provided, single submitter. Criteria: Ambry Variant Classification Scheme 2023. Collection method: clinical testing. Allele origin: germline.

Labcorp Genetics (formerly Invitae), Labcorp
Classification: Uncertain significance for Luscan-Lumish syndrome. Last evaluated: 2024-05-26. Review status: criteria provided, single submitter. Criteria: Invitae Variant Classification Sherloc (09022015). Collection method: clinical testing. Allele origin: germline.
Comment: This sequence change replaces isoleucine, which is neutral and non-polar, with valine, which is neutral and non-polar, at codon 2336 of the SETD2 protein (p.Ile2336Val). This variant is present in population databases (rs769263465, gnomAD 0.004%). This variant has not been reported in the literature in individuals affected with SETD2-related conditions. An algorithm developed to predict the effect of missense changes on protein structure and function (PolyPhen-2) suggests that this variant is likely to be tolerated. In summary, the available evidence is currently insufficient to determine the role of this variant in disease. Therefore, it has been classified as a Variant of Uncertain Significance.

NM_014159.7(SETD2):c.7006A>G (p.Ile2336Val)

Gene: SETD2 (SET domain containing 2, histone lysine methyltransferase; minus strand). Cytogenetic location: 3p21.31.
Variant type: single nucleotide variant.
Coding change: c.7006A>G on transcript NM_014159.7 (MANE Select); coding-DNA position 7006, A replaced by G.
Protein change: p.Ile2336Val; replaces isoleucine 2336 with valine.
Molecular consequence: missense variant. On other transcripts: non-coding transcript variant (1).
Genome position (GRCh38, 1-based): chr3:47,046,579, T>C on the plus strand (A>G on the coding strand, the complement: SETD2 is on the minus strand). VCF-style: chr3-47046579-T-C. GRCh37 (hg19) VCF-style: chr3-47088069-T-C.
Other names: c.6874A>G, p.Ile2292Val (NM_001349370.3); short protein forms I2336V, I2292V.
Identifiers: ClinVar variation 3696378 (VCV003696378.3).